The following is an entry in ClinVar:

ClinVar aggregate classification (germline): Uncertain significance (1 of 4 stars; one submission).

gnomAD v4.1: 4 of 1,613,968 alleles (0.00025%); highest among the groups gnomAD compares: Middle Eastern, 0.033%; no homozygotes.

Submission:

Labcorp Genetics (formerly Invitae), Labcorp
Classification: Uncertain significance. Last evaluated: 2025-10-06. Review status: criteria provided, single submitter. Criteria: Invitae Variant Classification Sherloc (09022015). Collection method: clinical testing. Allele origin: germline.
Comment: This sequence change replaces valine, which is neutral and non-polar, with methionine, which is neutral and non-polar, at codon 3050 of the RNF213 protein (p.Val3050Met). This variant is not present in population databases (gnomAD no frequency). This variant has not been reported in the literature in individuals affected with RNF213-related conditions. Invitae Evidence Modeling of protein sequence and biophysical properties (such as structural, functional, and spatial information, amino acid conservation, physicochemical variation, residue mobility, and thermodynamic stability) indicates that this missense variant is not expected to disrupt RNF213 protein function with a negative predictive value of 95%. In summary, the available evidence is currently insufficient to determine the role of this variant in disease. Therefore, it has been classified as a Variant of Uncertain Significance.

NM_001256071.3(RNF213):c.9148G>A (p.Val3050Met)

Gene: RNF213 (ring finger protein 213; plus strand). Cytogenetic location: 17q25.3.
Variant type: single nucleotide variant.
Coding change: c.9148G>A on transcript NM_001256071.3 (MANE Select); coding-DNA position 9148, G replaced by A.
Protein change: p.Val3050Met; replaces valine 3050 with methionine.
Molecular consequence: missense variant.
Genome position (GRCh38, 1-based): chr17:80,347,483, G>A. VCF-style: chr17-80347483-G-A. GRCh37 (hg19) VCF-style: chr17-78321283-G-A.
Other names: c.9295G>A, p.Val3099Met (NM_001410195.1, NM_020914.5); short protein forms V3099M, V3050M.
Identifiers: ClinVar variation 4752660 (VCV004752660.1).
Genomic context (GRCh38, chr17:80,347,483, plus strand): 5'-CCGGGTGGAGAGCAGGAAGATGCTGAGTCCCGCTACTTACTCGTGCTGACCAAAAACTAC[G>A]TGGCACTGCAGATCCTGCAGCAGACATTCTTCGAGGGGGACCAGCAGCCGGAGATTATTT-3'
Protein context (NP_001243000.2, residues 3040-3060): RYLLVLTKNY[Val3050Met]ALQILQQTFF